The following is an entry in ClinVar:

NM_024063.3(AFG2B):c.818C>G (p.Ser273Cys)

Gene: AFG2B (AAA ATPase AFG2B; plus strand). Cytogenetic location: 15q21.1.
Variant type: single nucleotide variant.
Coding change: c.818C>G on transcript NM_024063.3 (MANE Select); coding-DNA position 818, C replaced by G.
Protein change: p.Ser273Cys; replaces serine 273 with cysteine.
Molecular consequence: missense variant. On other transcripts: non-coding transcript variant (5).
Genome position (GRCh38, 1-based): chr15:45,403,247, C>G. VCF-style: chr15-45403247-C-G. GRCh37 (hg19) VCF-style: chr15-45695445-C-G.
Other names: c.818C>G, p.Ser273Cys (NM_001323640.2); short protein forms S273C.
Identifiers: ClinVar variation 3777841 (VCV003777841.7).
Genomic context (GRCh38, chr15:45,403,247, plus strand): 5'-CCGTGGCGCGCGAGGCGGGCGCGGAGCTGCTGGCAGTCAGCGCCCCGGCGCTGCAGGGTT[C>G]CCGGCCTGGGGAGACCGAGGAGAACGTGCGGCGGGTCTTCCAGCGCGCCCGGGAACTGGC-3'
Protein context (NP_076968.2, residues 263-283): LAVSAPALQG[Ser273Cys]RPGETEENVR

ClinVar aggregate classification (germline): Benign (1 of 4 stars; one submission).

gnomAD v4.1: 43,007 of 1,563,076 alleles (2.8%); highest among the groups gnomAD compares: Middle Eastern, 4.6%; 678 homozygotes.

Submission:

CeGaT Center for Human Genetics Tuebingen
Classification: Benign. Last evaluated: 2025-03-01. Review status: criteria provided, single submitter. Criteria: CeGaT Center For Human Genetics Tuebingen Variant Classification Criteria Version 2. Collection method: clinical testing. Allele origin: germline. Affected: yes. Observed: 1 variant allele.
Comment: AFG2B: PP2, BS1, BS2